The following is an entry in ClinVar:

NM_001267550.2(TTN):c.19426G>A (p.Asp6476Asn)

Gene: TTN (titin; minus strand). Cytogenetic location: 2q31.2.
Variant type: single nucleotide variant.
Coding change: c.19426G>A on transcript NM_001267550.2 (MANE Select); coding-DNA position 19426, G replaced by A.
Protein change: p.Asp6476Asn; replaces aspartic acid 6476 with asparagine.
Molecular consequence: missense variant. On other transcripts: intron variant (3).
Genome position (GRCh38, 1-based): chr2:178,728,500, C>T on the plus strand (G>A on the coding strand, the complement: TTN is on the minus strand). VCF-style: chr2-178728500-C-T. GRCh37 (hg19) VCF-style: chr2-179593227-C-T.
Other names: c.18475G>A, p.Asp6159Asn (NM_001256850.1); c.15694G>A, p.Asp5232Asn (NM_133378.4); c.13282+9582G>A (NM_003319.4); c.13858+9582G>A (NM_133437.4); c.13657+9582G>A (NM_133432.3); short protein forms D5232N, D6159N, D6476N.
Identifiers: ClinVar variation 852160 (VCV000852160.11), dbSNP rs1399156064, ClinGen allele CA349555826.

ClinVar aggregate classification (germline): Uncertain significance. Review status: criteria provided, multiple submitters, no conflicts (2 of 4 stars). 2 submissions from 2 submitters: Uncertain significance (2). Last evaluated 2024-07-29.

Conditions:
Dilated cardiomyopathy 1G (CMD1G). Identifiers: Orphanet 154, MedGen C1858763, MONDO:0011400, OMIM 604145.
Autosomal recessive limb-girdle muscular dystrophy type 2J (LGMDR10). Also called: MUSCULAR DYSTROPHY, LIMB-GIRDLE, AUTOSOMAL RECESSIVE 10; Limb-girdle muscular dystrophy, type 2J. Identifiers: Orphanet 140922, MedGen C1837342, MONDO:0012127, OMIM 608807.

Allele frequency attached by ClinVar (database versions not stated): gnomAD exomes below 0.00001; gnomAD 0.00001; TOPMed 0.00001.
gnomAD v4.1: 5 of 1,605,866 alleles (0.00031%); highest among the groups gnomAD compares: Non-Finnish European, 0.00043%; no homozygotes.

Submissions (2):

Revvity Omics, Revvity
Classification: Uncertain significance. Last evaluated: 2024-07-29. Review status: criteria provided, single submitter. Criteria: ACMG Guidelines, 2015. Collection method: clinical testing. Allele origin: germline.

Labcorp Genetics (formerly Invitae), Labcorp
Classification: Uncertain significance for Dilated cardiomyopathy 1G; Autosomal recessive limb-girdle muscular dystrophy type 2J. Last evaluated: 2022-02-04. Review status: criteria provided, single submitter. Criteria: Invitae Variant Classification Sherloc (09022015). Collection method: clinical testing. Allele origin: germline.
Comment: This sequence change replaces aspartic acid, which is acidic and polar, with asparagine, which is neutral and polar, at codon 6476 of the TTN protein (p.Asp6476Asn). This variant also falls at the last nucleotide of exon 66, which is part of the consensus splice site for this exon. This variant is not present in population databases (gnomAD no frequency). This variant has not been reported in the literature in individuals affected with TTN-related conditions. ClinVar contains an entry for this variant (Variation ID: 852160). Experimental studies and prediction algorithms are not available or were not evaluated, and the functional significance of this variant is currently unknown. Variants that disrupt the consensus splice site are a relatively common cause of aberrant splicing (PMID: 17576681, 9536098). Algorithms developed to predict the effect of sequence changes on RNA splicing suggest that this variant may disrupt the consensus splice site. This variant is located in the I band of TTN (PMID: 25589632). Variants in this region may be clinically relevant, but have not been definitively shown to cause cardiomyopathy or neuromuscular disease (PMID: 27493940, 32778822). In summary, the available evidence is currently insufficient to determine the role of this variant in disease. Therefore, it has been classified as a Variant of Uncertain Significance.

Literature cited by the submitters: PubMed 17576681 (cited by Labcorp Genetics (formerly Invitae), Labcorp); PubMed 9536098 (cited by Labcorp Genetics (formerly Invitae), Labcorp); PubMed 25589632 (cited by Labcorp Genetics (formerly Invitae), Labcorp); PubMed 27493940 (cited by Labcorp Genetics (formerly Invitae), Labcorp); PubMed 32778822 (cited by Labcorp Genetics (formerly Invitae), Labcorp).